The following is an entry in ClinVar:

ClinVar aggregate classification (germline): Conflicting classifications of pathogenicity. Review status: criteria provided, conflicting classifications (1 of 4 stars). 5 submissions from 5 submitters: Uncertain significance (1); Likely benign (3). 1 of the submissions does not count toward it. Last evaluated 2026-01-27.

Conditions:
Carnitine palmitoyltransferase II deficiency. Also called: Carnitine Palmitoyltransferase 2 Deficiency. Identifiers: Orphanet 157, MedGen C0342790, MONDO:0015515.

Allele frequency attached by ClinVar (database versions not stated): 1000 Genomes Project 30x 0.00031; 1000 Genomes Project 0.00040; gnomAD exomes 0.00001 and 0.00006; ExAC 0.00006; ESP Exome Variant Server 0.00008; TOPMed 0.00020; gnomAD 0.00023 and 0.00024.
gnomAD v4.1: 61 of 1,614,120 alleles (0.0038%); highest among the groups gnomAD compares: African/African-American, 0.072%; no homozygotes.

Submissions (5):

Labcorp Genetics (formerly Invitae), Labcorp
Classification: Likely benign for Carnitine palmitoyltransferase II deficiency. Last evaluated: 2026-01-27. Review status: criteria provided, single submitter. Criteria: Invitae Variant Classification Sherloc (09022015). Collection method: clinical testing. Allele origin: germline.

Athena Diagnostics
Classification: Likely benign. Last evaluated: 2018-03-05. Review status: criteria provided, single submitter. Criteria: Athena Diagnostics Criteria. Collection method: clinical testing. Allele origin: germline.

GeneDx
Classification: Likely benign. Last evaluated: 2018-01-25. Review status: criteria provided, single submitter. Criteria: GeneDx Variant Classification (06012015). Collection method: clinical testing. Allele origin: germline. Affected: yes.
Comment: This variant is considered likely benign or benign based on one or more of the following criteria: it is a conservative change, it occurs at a poorly conserved position in the protein, it is predicted to be benign by multiple in silico algorithms, and/or has population frequency not consistent with disease.

Eurofins Ntd Llc (ga)
Classification: Uncertain significance. Last evaluated: 2017-01-16. Review status: criteria provided, single submitter. Criteria: EGL Classification Definitions 2015. Collection method: clinical testing. Allele origin: germline. Observed: 2 variant alleles, 2 heterozygotes.

Natera, Inc.
Classification: Likely benign for Carnitine palmitoyltransferase II deficiency. Last evaluated: 2020-04-30. Review status: no assertion criteria provided. Collection method: clinical testing. Allele origin: germline. Not counted in ClinVar's aggregate classification.

NM_000098.3(CPT2):c.1422C>A (p.Ala474=)

Gene: CPT2 (carnitine palmitoyltransferase 2; plus strand). Cytogenetic location: 1p32.3.
Variant type: single nucleotide variant.
Coding change: c.1422C>A on transcript NM_000098.3 (MANE Select); coding-DNA position 1422, C replaced by A.
Protein change: p.Ala474=; no amino-acid change (alanine 474 retained).
Molecular consequence: synonymous variant.
Genome position (GRCh38, 1-based): chr1:53,211,096, C>A. VCF-style: chr1-53211096-C-A. GRCh37 (hg19) VCF-style: chr1-53676768-C-A.
Other names: c.1422C>A, p.Ala474= (NM_001330589.2).
Identifiers: ClinVar variation 385445 (VCV000385445.18), dbSNP rs192779168, ClinGen allele CA859197.
Genomic context (GRCh38, chr1:53,211,096, plus strand): 5'-ATTCCTGAAGAAGCAAAAGCTGAGCCCTGACGCAGTTGCCCAGCTGGCATTCCAGATGGC[C>A]TTCCTGCGGCAGTACGGGCAGACAGTGGCCACCTACGAGTCCTGTAGCACTGCCGCATTC-3'
Protein context (NP_000089.1, residues 464-484): DAVAQLAFQM[Ala474=]FLRQYGQTVA